The following is an entry in ClinVar:

NM_001923.5(DDB1):c.1426G>A (p.Val476Met)

Gene: DDB1 (damage specific DNA binding protein 1; minus strand). Cytogenetic location: 11q12.2.
Variant type: single nucleotide variant.
Coding change: c.1426G>A on transcript NM_001923.5 (MANE Select); coding-DNA position 1426, G replaced by A.
Protein change: p.Val476Met; replaces valine 476 with methionine.
Molecular consequence: missense variant.
Genome position (GRCh38, 1-based): chr11:61,314,471, C>T on the plus strand (G>A on the coding strand, the complement: DDB1 is on the minus strand). VCF-style: chr11-61314471-C-T. GRCh37 (hg19) VCF-style: chr11-61081943-C-T.
Other names: short protein forms V476M.
Identifiers: ClinVar variation 4071900 (VCV004071900.1).

ClinVar aggregate classification (germline): Uncertain significance (1 of 4 stars; one submission).

gnomAD v4.1: 1 of 1,612,646 alleles (0.000062%); highest among the groups gnomAD compares: Non-Finnish European, 0.000085%; no homozygotes.

Submission:

GeneDx
Classification: Uncertain significance. Last evaluated: 2025-01-24. Review status: criteria provided, single submitter. Criteria: GeneDx Variant Classification Process June 2021. Collection method: clinical testing. Allele origin: germline. Affected: yes.
Comment: Not observed at significant frequency in large population cohorts (gnomAD); In silico analysis supports that this missense variant has a deleterious effect on protein structure/function; Has not been previously published as pathogenic or benign to our knowledge